The following is an entry in ClinVar:

ClinVar aggregate classification (germline): Uncertain significance. Review status: criteria provided, multiple submitters, no conflicts (2 of 4 stars). 2 submissions from 2 submitters: Uncertain significance (2). Last evaluated 2025-04-01.

Conditions:
Nance-Horan syndrome (NHS). Identifiers: Orphanet 627, MedGen C0796085, MONDO:0010545, OMIM 302350.

Submissions (2):

CeGaT Center for Human Genetics Tuebingen
Classification: Uncertain significance. Last evaluated: 2025-04-01. Review status: criteria provided, single submitter. Criteria: CeGaT Center For Human Genetics Tuebingen Variant Classification Criteria Version 2. Collection method: clinical testing. Allele origin: germline. Affected: yes. Observed: 1 variant allele.
Comment: NHS: PM2

Labcorp Genetics (formerly Invitae), Labcorp
Classification: Uncertain significance for Nance-Horan syndrome. Last evaluated: 2024-07-08. Review status: criteria provided, single submitter. Criteria: Invitae Variant Classification Sherloc (09022015). Collection method: clinical testing. Allele origin: germline.
Comment: This sequence change replaces histidine, which is basic and polar, with arginine, which is basic and polar, at codon 161 of the NHS protein (p.His161Arg). This variant is not present in population databases (gnomAD no frequency). This variant has not been reported in the literature in individuals affected with NHS-related conditions. Algorithms developed to predict the effect of missense changes on protein structure and function output the following: SIFT: "Not Available"; PolyPhen-2: "Benign"; Align-GVGD: "Not Available". The arginine amino acid residue is found in multiple mammalian species, which suggests that this missense change does not adversely affect protein function. In summary, the available evidence is currently insufficient to determine the role of this variant in disease. Therefore, it has been classified as a Variant of Uncertain Significance.

NM_001291867.2(NHS):c.482A>G (p.His161Arg)

Gene: NHS (NHS actin remodeling regulator; plus strand). Cytogenetic location: Xp22.2.
Variant type: single nucleotide variant.
Coding change: c.482A>G on transcript NM_001291867.2 (MANE Select); coding-DNA position 482, A replaced by G.
Protein change: p.His161Arg; replaces histidine 161 with arginine.
Molecular consequence: missense variant.
Genome position (GRCh38, 1-based): chrX:17,376,239, A>G. VCF-style: chrX-17376239-A-G. GRCh37 (hg19) VCF-style: chrX-17394362-A-G.
Other names: c.482A>G, p.His161Arg (NM_198270.4); short protein forms H161R.
Identifiers: ClinVar variation 3707332 (VCV003707332.9).